The following is an entry in ClinVar:

NM_138694.4(PKHD1):c.1964G>A (p.Ser655Asn)

Gene: PKHD1 (PKHD1 ciliary IPT domain containing fibrocystin/polyductin; minus strand). Cytogenetic location: 6p12.2.
Variant type: single nucleotide variant.
Coding change: c.1964G>A on transcript NM_138694.4 (MANE Select); coding-DNA position 1964, G replaced by A.
Protein change: p.Ser655Asn; replaces serine 655 with asparagine.
Molecular consequence: missense variant.
Genome position (GRCh38, 1-based): chr6:52,054,038, C>T on the plus strand (G>A on the coding strand, the complement: PKHD1 is on the minus strand). VCF-style: chr6-52054038-C-T. GRCh37 (hg19) VCF-style: chr6-51918836-C-T.
Other names: c.1964G>A, p.Ser655Asn (NM_170724.3); short protein forms S655N.
Identifiers: ClinVar variation 5003580 (VCV005003580.1).

ClinVar aggregate classification (germline): Uncertain significance (1 of 4 stars; one submission).

Conditions:
Polycystic kidney disease 4 (PKD4). Also called: POLYCYSTIC KIDNEY AND HEPATIC DISEASE 1; POLYCYSTIC KIDNEY DISEASE, INFANTILE, TYPE I; PKD3; Autosomal Recessive Polycystic Kidney Disease – PKHD1; POLYCYSTIC KIDNEY DISEASE 4 WITH OR WITHOUT POLYCYSTIC LIVER DISEASE. Identifiers: MedGen C4540575, MONDO:0033004, OMIM 263200.

gnomAD v4.1: 2 of 1,613,882 alleles (0.00012%); highest among the groups gnomAD compares: Admixed American, 0.0017%; no homozygotes.

Submission:

Myriad Genetics, Inc.
Classification: Uncertain significance for Polycystic kidney disease 4. Last evaluated: 2026-03-31. Review status: criteria provided, single submitter. Criteria: Myriad Autosomal Dominant, Autosomal Recessive and X-Linked Classification Criteria (2023). Collection method: clinical testing. Allele origin: unknown.
Comment: NM_138694.3(PKHD1):c.1964G>A(S655N) is a missense variant classified as a variant of uncertain significance in the context of autosomal recessive polycystic kidney disease, PKHD1-related. S655N has been observed in a case with relevant disease (PMID: Gonzalez Rivas_2016_(abstract)). Relevant functional assessments of this variant are not available in the literature. S655N has not been observed in referenced population frequency databases. In summary, there is insufficient evidence to classify NM_138694.3(PKHD1):c.1964G>A(S655N) as pathogenic or benign. Please note: this variant was assessed in the context of healthy population screening.